The following is an entry in ClinVar:

NM_020921.4(NIN):c.2290C>T (p.Gln764Ter)

Gene: NIN (ninein; minus strand). Cytogenetic location: 14q22.1.
Variant type: single nucleotide variant.
Coding change: c.2290C>T on transcript NM_020921.4 (MANE Select); coding-DNA position 2290, C replaced by T.
Protein change: p.Gln764Ter; replaces glutamine 764 with a stop codon.
Molecular consequence: nonsense.
Genome position (GRCh38, 1-based): chr14:50,759,966, G>A on the plus strand (C>T on the coding strand, the complement: NIN is on the minus strand). VCF-style: chr14-50759966-G-A. GRCh37 (hg19) VCF-style: chr14-51226684-G-A.
Other names: c.2290C>T, p.Gln764Ter (NM_016350.5, NM_182944.3, NM_182946.2); short protein forms Q764*.
Identifiers: ClinVar variation 4845858 (VCV004845858.1).

ClinVar aggregate classification (germline): Likely pathogenic (1 of 4 stars; one submission).

Conditions:
Seckel syndrome 7 (SCKL7). Identifiers: Orphanet 319675, MedGen C3553870, MONDO:0013922, OMIM 614851.

Submission:

First Genomix Gene Laboratory, Genetic Diagnostics Department
Classification: Likely pathogenic for Seckel syndrome 7. Last evaluated: 2025-03-27. Review status: criteria provided, single submitter. Criteria: ACMG Guidelines, 2015. Collection method: clinical testing. Allele origin: germline. Inheritance: Autosomal recessive inheritance. Affected: no. Observed: 1 variant allele.